The following is an entry in ClinVar:

NM_201384.3(PLEC):c.5569_5571del (p.Lys1857del)

Gene: PLEC (plectin; minus strand). Cytogenetic location: 8q24.3.
Variant type: Deletion.
Coding change: c.5569_5571del on transcript NM_201384.3 (MANE Select); coding-DNA positions 5569 to 5571, 3 bases deleted (AAG; older notation c.5569_5571delAAG).
Protein change: p.Lys1857del; deletes lysine 1857.
Molecular consequence: inframe deletion. On other transcripts: intron variant (1).
Genome position (GRCh38, 1-based): chr8:143,924,358-143,924,360, CTT deleted on the plus strand (AAG on the coding strand, the reverse complement: PLEC is on the minus strand). VCF-style (leftmost placement, unchanged base first): chr8-143924357-CCTT-C. GRCh37 (hg19) VCF-style: chr8-144998525-CCTT-C.
Other names: c.5650_5652del, p.Lys1884del (NM_000445.5); c.5527_5529del, p.Lys1843del (NM_201378.4); c.5503_5505del, p.Lys1835del (NM_201379.3); c.5980_5982del, p.Lys1994del (NM_201380.4); c.5473_5475del, p.Lys1825del (NM_201381.3); c.5569_5571del, p.Lys1857del (NM_201382.4); c.5581_5583del, p.Lys1861del (NM_201383.3); c.4126-1965_4126-1963del (NM_001410941.1); short protein forms K1825del, K1835del, K1843del, K1857del, K1861del, K1884del, K1994del.
Identifiers: ClinVar variation 3760801 (VCV003760801.2).
Genomic context (GRCh38, chr8:143,924,357, plus strand): 5'-GCCGCTGGAAGGCCTCGTCCTCCGCCAGCCGCCGCAGGCGCTCGTTCTCCGCCTCCTTCT[CCTT>C]GAGCGCGATCTCCGCCTCCGTCTTGAGCCGCGTGGCCTCGCCGATGGCGGCCAGCTTCTC-3'

ClinVar aggregate classification (germline): Uncertain significance (1 of 4 stars; one submission).

Conditions:
Epidermolysis bullosa simplex with nail dystrophy (EBS5D). Identifiers: MedGen C4225309, MONDO:0014661, OMIM 616487.
Epidermolysis bullosa simplex, Ogna type (EBS5A). Also called: EPIDERMOLYSIS BULLOSA SIMPLEX 5A, OGNA TYPE; Pidermolysis bullosa simplex 5A, Ogna type. Identifiers: Orphanet 79401, MedGen C0432317, MONDO:0007555, OMIM 131950.
Autosomal recessive limb-girdle muscular dystrophy type 2Q (LGMDR17). Also called: MUSCULAR DYSTROPHY, LIMB-GIRDLE, AUTOSOMAL RECESSIVE 17. Identifiers: Orphanet 254361, MedGen C3150989, MONDO:0013390, OMIM 613723.
Epidermolysis bullosa simplex 5B, with muscular dystrophy (EBS5B). Also called: EPIDERMOLYSIS BULLOSA SIMPLEX AND LIMB-GIRDLE MUSCULAR DYSTROPHY; Epidermolysis bullosa simplex with muscular dystrophy. Identifiers: Orphanet 257, MedGen C2931072, MONDO:0009181, OMIM 226670.
Epidermolysis bullosa simplex 5C, with pyloric atresia (EBS5C). Also called: PLEC1-Related Epidermolysis Bullosa with Pyloric Atresia; PLEC-Related Epidermolysis Bullosa with Pyloric Atresia; Epidermolysis bullosa simplex with pyloric atresia. Identifiers: Orphanet 158684, MedGen C2677349, MONDO:0012807, OMIM 612138.

Submission:

Labcorp Genetics (formerly Invitae), Labcorp
Classification: Uncertain significance for Autosomal recessive limb-girdle muscular dystrophy type 2Q; Epidermolysis bullosa simplex, Ogna type; Epidermolysis bullosa simplex with nail dystrophy; Epidermolysis bullosa simplex 5C, with pyloric atresia; Epidermolysis bullosa simplex 5B, with muscular dystrophy. Last evaluated: 2024-06-24. Review status: criteria provided, single submitter. Criteria: Invitae Variant Classification Sherloc (09022015). Collection method: clinical testing. Allele origin: germline.
Comment: This variant, c.5650_5652del, results in the deletion of 1 amino acid(s) of the PLEC protein (p.Lys1884del), but otherwise preserves the integrity of the reading frame. This variant is present in population databases (rs782656170, gnomAD 0.01%). This variant has not been reported in the literature in individuals affected with PLEC-related conditions. Experimental studies and prediction algorithms are not available or were not evaluated, and the functional significance of this variant is currently unknown. In summary, the available evidence is currently insufficient to determine the role of this variant in disease. Therefore, it has been classified as a Variant of Uncertain Significance.